The following is an entry in ClinVar:

NR_003051.4(RMRP):n.160A>G

Gene: RMRP (RNA component of mitochondrial RNA processing endoribonuclease; minus strand). Cytogenetic location: 9p13.3.
Variant type: single nucleotide variant.
Genome position: GRCh38 VCF-style: chr9-35657860-T-C. GRCh37 (hg19) VCF-style: chr9-35657857-T-C.
Identifiers: ClinVar variation 533766 (VCV000533766.6), dbSNP rs535595484, ClinGen allele CA192745594.

ClinVar aggregate classification (germline): Uncertain significance. Review status: criteria provided, single submitter (1 of 4 stars). 2 submissions from 2 submitters: Uncertain significance (1). 1 of the submissions does not count toward it. Last evaluated 2026-01-14.

Conditions:
Metaphyseal chondrodysplasia, McKusick type (CHH). Also called: Cartilage-Hair Hypoplasia (CHH); Cartilage-hair hypoplasia. Identifiers: Orphanet 175, MedGen C0220748, MONDO:0009595, OMIM 250250.
Anauxetic dysplasia. Identifiers: Orphanet 93347, MedGen C1846796, MONDO:0011773.

Allele frequency attached by ClinVar (database versions not stated): gnomAD exomes 0.00006; TOPMed 0.00011; gnomAD 0.00015 and 0.00016; 1000 Genomes Project 30x 0.00016; 1000 Genomes Project 0.00020.
gnomAD v4.1: 61 of 694,366 alleles (0.0088%); highest among the groups gnomAD compares: African/African-American, 0.019%; no homozygotes.

Submissions (2):

Labcorp Genetics (formerly Invitae), Labcorp
Classification: Uncertain significance for Anauxetic dysplasia. Last evaluated: 2026-01-14. Review status: criteria provided, single submitter. Criteria: Invitae Variant Classification Sherloc (09022015). Collection method: clinical testing. Allele origin: germline.
Comment: This variant occurs in the RMRP gene, which encodes an RNA molecule that does not result in a protein product. This variant is present in population databases (rs535595484, gnomAD 0.01%). This variant has not been reported in the literature in individuals affected with RMRP-related conditions. ClinVar contains an entry for this variant (Variation ID: 533766). Experimental studies and prediction algorithms are not available or were not evaluated, and the functional significance of this variant is currently unknown. In summary, the available evidence is currently insufficient to determine the role of this variant in disease. Therefore, it has been classified as a Variant of Uncertain Significance.

Natera, Inc.
Classification: Uncertain significance for Cartilage-hair hypoplasia. Last evaluated: 2019-11-11. Review status: no assertion criteria provided. Collection method: clinical testing. Allele origin: germline. Not counted in ClinVar's aggregate classification.